The following is an entry in ClinVar:

NM_002968.3(SALL1):c.1340_1341delinsAA (p.Phe447Ter)

Gene: SALL1 (spalt like transcription factor 1; minus strand). Cytogenetic location: 16q12.1.
Variant type: Indel.
Coding change: c.1340_1341delinsAA on transcript NM_002968.3 (MANE Select); coding-DNA positions 1340 to 1341, TC replaced by AA.
Protein change: p.Phe447Ter; replaces phenylalanine 447 with a stop codon.
Molecular consequence: nonsense.
Genome position (GRCh38, 1-based): chr16:51,140,881-51,140,882, GA replaced by TT on the plus strand (TC replaced by AA on the coding strand, the reverse complement: SALL1 is on the minus strand). VCF-style: chr16-51140881-GA-TT. GRCh37 (hg19) VCF-style: chr16-51174792-GA-TT.
Other names: c.1049_1050delinsAA, p.Phe350Ter (NM_001127892.2); short protein forms F350*, F447*.
Identifiers: ClinVar variation 3765530 (VCV003765530.1).
Genomic context (GRCh38, chr16:51,140,881, plus strand): 5'-GTGGATCTGCAAGGCACTGTCACTCCCAAAGACCTTCGCGCAGAACCTGCACTTGTGTTT[GA>TT]AGAATGCCTCATCGGAAGTACTTTTCGCTTCAAAGGCAGTGACATTTGGTGGCTTGCTTT-3'

ClinVar aggregate classification (germline): Pathogenic (1 of 4 stars; one submission).

Conditions:
Townes-Brocks syndrome 1 (TBS1). Also called: SALL1-Related Townes-Brocks Syndrome; DEAFNESS, SENSORINEURAL, WITH IMPERFORATE ANUS AND THUMB ANOMALIES; REAR SYNDROME; RENAL-EAR-ANAL-RADIAL SYNDROME. Identifiers: Orphanet 857, MedGen C4551481, MONDO:0054581, OMIM 107480.

Submission:

Centre de Biologie Pathologie Génétique, Centre Hospitalier Universitaire de Lille
Classification: Pathogenic for Townes-Brocks syndrome 1. Last evaluated: 2025-02-27. Review status: criteria provided, single submitter. Criteria: ACMG Guidelines, 2015. Collection method: clinical testing. Allele origin: de novo. Inheritance: Autosomal dominant inheritance. Affected: yes.
Comment: PVS1 + PM2 + PP4 + PS2